The following is an entry in ClinVar:

NM_022168.4(IFIH1):c.1481G>T (p.Gly494Val)

Gene: IFIH1 (interferon induced with helicase C domain 1; minus strand). Cytogenetic location: 2q24.2.
Variant type: single nucleotide variant.
Coding change: c.1481G>T on transcript NM_022168.4 (MANE Select); coding-DNA position 1481, G replaced by T.
Protein change: p.Gly494Val; replaces glycine 494 with valine.
Molecular consequence: missense variant.
Genome position (GRCh38, 1-based): chr2:162,281,371, C>A on the plus strand (G>T on the coding strand, the complement: IFIH1 is on the minus strand). VCF-style: chr2-162281371-C-A. GRCh37 (hg19) VCF-style: chr2-163137881-C-A.
Other names: c.1481G>T (NM_022168.2); short protein forms G494V.
Identifiers: ClinVar variation 703432 (VCV000703432.36), dbSNP rs147000317, ClinGen allele CA1934521.

ClinVar aggregate classification (germline): Benign/Likely benign. Review status: criteria provided, multiple submitters, no conflicts (2 of 4 stars). 5 submissions from 5 submitters: Benign (1); Likely benign (4). Last evaluated 2026-01-28.

Conditions:
Inborn genetic diseases. Identifiers: MedGen C0950123, MeSH D030342.
Aicardi-Goutieres syndrome 7 (AGS7). Identifiers: Orphanet 51, MedGen C3888244, MONDO:0014367, OMIM 615846.
Singleton-Merten syndrome 1 (SGMRT1). Also called: Widened medullary cavities of bone, aortic calcification, abnormal dentition, and muscular weakness; Syndrome of widened medullary cavities of the metacarpals and phalanges, aortic calcification and abnormal dentition. Identifiers: Orphanet 85191, MedGen C4225427, MONDO:0024535, OMIM 182250.
Immunodeficiency 95 (IMD95). Identifiers: MedGen C5676929, MONDO:0030692, OMIM 619773.

Allele frequency attached by ClinVar (database versions not stated): gnomAD exomes 0.00020 and 0.00052; ExAC 0.00072; gnomAD 0.00211 and 0.00228; TOPMed 0.00234; ESP Exome Variant Server 0.00277; 1000 Genomes Project 0.00359; 1000 Genomes Project 30x 0.00375.
gnomAD v4.1: 621 of 1,612,706 alleles (0.039%); highest among the groups gnomAD compares: African/African-American, 0.74%; 2 homozygotes.

Submissions (6):

Labcorp Genetics (formerly Invitae), Labcorp
Classification: Benign for Aicardi-Goutieres syndrome 7; Singleton-Merten syndrome 1. Last evaluated: 2026-01-28. Review status: criteria provided, single submitter. Criteria: Invitae Variant Classification Sherloc (09022015). Collection method: clinical testing. Allele origin: germline.

Ambry Genetics
Classification: Likely benign for Inborn genetic diseases. Last evaluated: 2025-12-04. Review status: criteria provided, single submitter. Criteria: Ambry Variant Classification Scheme 2023. Collection method: clinical testing. Allele origin: germline.

Blueprint Genetics
Classification: Likely benign. Last evaluated: 2024-06-06. Review status: criteria provided, single submitter. Criteria: ACMG Guidelines, 2015. Collection method: clinical testing. Allele origin: germline.

CeGaT Center for Human Genetics Tuebingen
Classification: Likely benign. Last evaluated: 2023-11-01. Review status: criteria provided, single submitter. Criteria: CeGaT Center For Human Genetics Tuebingen Variant Classification Criteria Version 2. Collection method: clinical testing. Allele origin: germline. Affected: yes. Observed: 1 variant allele.
Comment: IFIH1: BP4

Fulgent Genetics
Classification: Likely benign for Singleton-Merten syndrome 1; Aicardi-Goutieres syndrome 7; Immunodeficiency 95. Last evaluated: 2022-04-08. Review status: criteria provided, single submitter. Criteria: ACMG Guidelines, 2015. Collection method: clinical testing. Allele origin: unknown.

Dr. Peter K. Rogan Lab, Western University
No classification provided (evidence only). Condition: Cervical cancer. Review status: no classification provided. Collection method: in vitro. Allele origin: not applicable. Functional consequence: retained intron. Not counted in ClinVar's aggregate classification.